The following is an entry in ClinVar:

ClinVar aggregate classification (germline): Uncertain significance (1 of 4 stars; one submission).

Allele frequency attached by ClinVar (database versions not stated): gnomAD exomes below 0.00001; TOPMed below 0.00001; gnomAD 0.00001.
gnomAD v4.1: 2 of 1,613,806 alleles (0.00012%); highest among the groups gnomAD compares: Middle Eastern, 0.016%; no homozygotes.

Submission:

Labcorp Genetics (formerly Invitae), Labcorp
Classification: Uncertain significance. Last evaluated: 2021-07-01. Review status: criteria provided, single submitter. Criteria: Invitae Variant Classification Sherloc (09022015). Collection method: clinical testing. Allele origin: germline.
Comment: Advanced modeling of protein sequence and biophysical properties (such as structural, functional, and spatial information, amino acid conservation, physicochemical variation, residue mobility, and thermodynamic stability) performed at Invitae indicates that this missense variant is not expected to disrupt CACNA1E protein function. This variant has not been reported in the literature in individuals affected with CACNA1E-related conditions. This variant is not present in population databases (ExAC no frequency). This sequence change replaces serine with leucine at codon 1686 of the CACNA1E protein (p.Ser1686Leu). The serine residue is highly conserved and there is a large physicochemical difference between serine and leucine. In summary, the available evidence is currently insufficient to determine the role of this variant in disease. Therefore, it has been classified as a Variant of Uncertain Significance.

NM_001205293.3(CACNA1E):c.5057C>T (p.Ser1686Leu)

Gene: CACNA1E (calcium voltage-gated channel subunit alpha1 E; plus strand). Cytogenetic location: 1q25.3.
Variant type: single nucleotide variant.
Coding change: c.5057C>T on transcript NM_001205293.3 (MANE Select); coding-DNA position 5057, C replaced by T.
Protein change: p.Ser1686Leu; replaces serine 1686 with leucine.
Molecular consequence: missense variant.
Genome position (GRCh38, 1-based): chr1:181,772,149, C>T. VCF-style: chr1-181772149-C-T. GRCh37 (hg19) VCF-style: chr1-181741285-C-T.
Other names: c.5057C>T, p.Ser1686Leu (NM_000721.4); c.5000C>T, p.Ser1667Leu (NM_001205294.2); short protein forms S1667L, S1686L.
Identifiers: ClinVar variation 1472477 (VCV001472477.8), dbSNP rs1332242368, ClinGen allele CA343628145.